The following is an entry in ClinVar:

NM_000939.4(POMC):c.523G>C (p.Glu175Gln)

Gene: POMC (proopiomelanocortin; minus strand). Cytogenetic location: 2p23.3.
Variant type: single nucleotide variant.
Coding change: c.523G>C on transcript NM_000939.4 (MANE Select); coding-DNA position 523, G replaced by C.
Protein change: p.Glu175Gln; replaces glutamic acid 175 with glutamine.
Molecular consequence: missense variant.
Genome position (GRCh38, 1-based): chr2:25,161,362, C>G on the plus strand (G>C on the coding strand, the complement: POMC is on the minus strand). VCF-style: chr2-25161362-C-G. GRCh37 (hg19) VCF-style: chr2-25384231-C-G.
Other names: c.523G>C, p.Glu175Gln (NM_001035256.3, NM_001319204.2, NM_001319205.2); short protein forms E175Q.
Identifiers: ClinVar variation 3043975 (VCV003043975.3), dbSNP rs748961346, ClinGen allele CA1555283.

ClinVar aggregate classification (germline): Uncertain significance (1 of 4 stars; one submission).

Conditions:
POMC-related disorder. Also called: POMC-related condition; POMC-related disorders.

Allele frequency attached by ClinVar (database versions not stated): ExAC 0.00001; gnomAD 0.00001; TOPMed 0.00001; gnomAD exomes 0.00002.
gnomAD v4.1: 31 of 1,606,392 alleles (0.0019%); highest among the groups gnomAD compares: Non-Finnish European, 0.0025%; no homozygotes.

Submission:

PreventionGenetics, part of Exact Sciences
Classification: Uncertain significance for POMC-related condition. Last evaluated: 2025-07-24. Review status: criteria provided, single submitter. Criteria: ACMG Guidelines, 2015. Collection method: clinical testing. Allele origin: germline.
Comment: The POMC c.523G>C variant is predicted to result in the amino acid substitution p.Glu175Gln. This variant was observed in cohorts of individuals with obesity (Table S3, Kaisinger et al. 2023. PubMed ID: 37601970; Supplemental Data Set 3, Shah et al. 2023. PubMed ID: 36864747), and in vitro functional studies showed this variant did not reduce protein function and could cause increased function (Supplemental Data Set 3, Shah et al. 2023. PubMed ID: 36864747). This variant is reported in 0.0025% of alleles in individuals of European (Non-Finnish) descent in gnomAD. At this time, the clinical significance of this variant is uncertain due to the absence of conclusive functional and genetic evidence.